The following is an entry in ClinVar:

NM_006567.5(FARS2):c.539G>A (p.Arg180His)

Genes: FARS2 (phenylalanyl-tRNA synthetase 2, mitochondrial; plus strand), LOC126859565 (CDK7 strongly-dependent group 2 enhancer GRCh37_chr6:5368745-5369944; plus strand). Cytogenetic location: 6p25.1.
Variant type: single nucleotide variant.
Coding change: c.539G>A on transcript NM_006567.5 (MANE Select); coding-DNA position 539, G replaced by A.
Protein change: p.Arg180His; replaces arginine 180 with histidine.
Molecular consequence: missense variant. On other transcripts: intron variant (2).
Genome position (GRCh38, 1-based): chr6:5,369,109, G>A. VCF-style: chr6-5369109-G-A. GRCh37 (hg19) VCF-style: chr6-5369342-G-A.
Other names: c.539G>A, p.Arg180His (NM_001318872.2, NM_001374875.1, NM_001374876.1 and 5 more transcripts); c.-340-27524G>A (NM_001375260.1); c.-84-35433G>A (NM_001375259.1); short protein forms R180H.
Identifiers: ClinVar variation 1425256 (VCV001425256.5), dbSNP rs375460524, ClinGen allele CA134301624.
Genomic context (GRCh38, chr6:5,369,109, plus strand): 5'-AGTGGGACTTGCTGCACGCGGGACTGGATGCCTTCCTGGTGGTGGGTGATGTCTACAGGC[G>A]TGACCAGATCGACTCCCAGCACTACCCTATTTTCCACCAGCTGGAGGCCGTGCGGCTCTT-3'
Protein context (NP_006558.1, residues 170-190): AFLVVGDVYR[Arg180His]DQIDSQHYPI

ClinVar aggregate classification (germline): Uncertain significance (1 of 4 stars; one submission).

Conditions:
Combined oxidative phosphorylation defect type 14. Also called: Combined oxidative phosphorylation deficiency 14. Identifiers: Orphanet 319519, MedGen C4755312, MONDO:0013986, OMIM 614946.

Allele frequency attached by ClinVar (database versions not stated): TOPMed below 0.00001; gnomAD exomes 0.00001.
gnomAD v4.1: 16 of 1,613,550 alleles (0.00099%); highest among the groups gnomAD compares: South Asian, 0.0088%; no homozygotes.

Submission:

Labcorp Genetics (formerly Invitae), Labcorp
Classification: Uncertain significance for Combined oxidative phosphorylation defect type 14. Last evaluated: 2022-07-16. Review status: criteria provided, single submitter. Criteria: Invitae Variant Classification Sherloc (09022015). Collection method: clinical testing. Allele origin: germline.
Comment: This sequence change replaces arginine, which is basic and polar, with histidine, which is basic and polar, at codon 180 of the FARS2 protein (p.Arg180His). This variant is present in population databases (rs375460524, gnomAD 0.005%). This variant has not been reported in the literature in individuals affected with FARS2-related conditions. ClinVar contains an entry for this variant (Variation ID: 1425256). Advanced modeling of protein sequence and biophysical properties (such as structural, functional, and spatial information, amino acid conservation, physicochemical variation, residue mobility, and thermodynamic stability) performed at Invitae indicates that this missense variant is expected to disrupt FARS2 protein function. In summary, the available evidence is currently insufficient to determine the role of this variant in disease. Therefore, it has been classified as a Variant of Uncertain Significance.